The following is an entry in ClinVar:

NM_001369.3(DNAH5):c.5585C>T (p.Ala1862Val)

Gene: DNAH5 (dynein axonemal heavy chain 5; minus strand). Cytogenetic location: 5p15.2.
Variant type: single nucleotide variant.
Coding change: c.5585C>T on transcript NM_001369.3 (MANE Select); coding-DNA position 5585, C replaced by T.
Protein change: p.Ala1862Val; replaces alanine 1862 with valine.
Molecular consequence: missense variant.
Genome position (GRCh38, 1-based): chr5:13,841,030, G>A on the plus strand (C>T on the coding strand, the complement: DNAH5 is on the minus strand). VCF-style: chr5-13841030-G-A. GRCh37 (hg19) VCF-style: chr5-13841139-G-A.
Other names: short protein forms A1862V.
Identifiers: ClinVar variation 965100 (VCV000965100.8), dbSNP rs1256145306, ClinGen allele CA359209626.

ClinVar aggregate classification (germline): Uncertain significance. Review status: criteria provided, single submitter (1 of 4 stars). 2 submissions from 2 submitters: Uncertain significance (1). 1 of the submissions does not count toward it. Last evaluated 2025-11-01.

Conditions:
Primary ciliary dyskinesia. Also called: Ciliary dyskinesia. Identifiers: Orphanet 244, MedGen C0008780, MONDO:0016575, HP:0012265.

Allele frequency attached by ClinVar (database versions not stated): gnomAD exomes below 0.00001 and 0.00002; TOPMed below 0.00001; gnomAD 0.00001.
gnomAD v4.1: 26 of 1,614,022 alleles (0.0016%); highest among the groups gnomAD compares: Middle Eastern, 0.033%; no homozygotes.

Submissions (2):

Labcorp Genetics (formerly Invitae), Labcorp
Classification: Uncertain significance for Primary ciliary dyskinesia. Last evaluated: 2025-11-01. Review status: criteria provided, single submitter. Criteria: Invitae Variant Classification Sherloc (09022015). Collection method: clinical testing. Allele origin: germline.
Comment: This sequence change replaces alanine, which is neutral and non-polar, with valine, which is neutral and non-polar, at codon 1862 of the DNAH5 protein (p.Ala1862Val). This variant is present in population databases (no rsID available, gnomAD 0.003%). This variant has not been reported in the literature in individuals affected with DNAH5-related conditions. ClinVar contains an entry for this variant (Variation ID: 965100). Invitae Evidence Modeling of protein sequence and biophysical properties (such as structural, functional, and spatial information, amino acid conservation, physicochemical variation, residue mobility, and thermodynamic stability) indicates that this missense variant is not expected to disrupt DNAH5 protein function with a negative predictive value of 95%. In summary, the available evidence is currently insufficient to determine the role of this variant in disease. Therefore, it has been classified as a Variant of Uncertain Significance.

Natera, Inc.
Classification: Uncertain significance for Primary ciliary dyskinesia. Last evaluated: 2020-12-08. Review status: no assertion criteria provided. Collection method: clinical testing. Allele origin: germline. Not counted in ClinVar's aggregate classification.